The following is an entry in ClinVar:

ClinVar aggregate classification (germline): Uncertain significance. Review status: criteria provided, multiple submitters, no conflicts (2 of 4 stars). 2 submissions from 2 submitters: Uncertain significance (2). Last evaluated 2022-08-10.

Submissions (2):

Women's Health and Genetics/Laboratory Corporation of America, LabCorp
Classification: Uncertain significance. Last evaluated: 2022-08-10. Review status: criteria provided, single submitter. Criteria: LabCorp Variant Classification Summary - May 2015. Collection method: clinical testing. Allele origin: germline.
Comment: Variant summary: CDH23 c.5237_5238delinsAT (p.Arg1746His) results in a non-conservative amino acid change in the encoded protein sequence. Two of three in-silico tools predict a damaging effect of the variant on protein function. The variant was absent in 280608 control chromosomes (gnomAD). The available data on variant occurrences in the general population are insufficient to allow any conclusion about variant significance. To our knowledge, no occurrence of c.5237_5238delinsAT in individuals affected with Usher Syndrome and no experimental evidence demonstrating its impact on protein function have been reported. No clinical diagnostic laboratories have submitted clinical-significance assessments for this variant to ClinVar after 2014. Based on the evidence outlined above, the variant was classified as uncertain significance.

Labcorp Genetics (formerly Invitae), Labcorp
Classification: Uncertain significance. Last evaluated: 2022-07-02. Review status: criteria provided, single submitter. Criteria: Invitae Variant Classification Sherloc (09022015). Collection method: clinical testing. Allele origin: germline.
Comment: In summary, the available evidence is currently insufficient to determine the role of this variant in disease. Therefore, it has been classified as a Variant of Uncertain Significance. Experimental studies and prediction algorithms are not available or were not evaluated, and the functional significance of this variant is currently unknown. This variant has not been reported in the literature in individuals affected with CDH23-related conditions. Information on the frequency of this variant in the gnomAD database is not available, as this variant may be reported differently in the database. This sequence change replaces arginine, which is basic and polar, with histidine, which is basic and polar, at codon 1746 of the CDH23 protein (p.Arg1746His).

NM_022124.6(CDH23):c.5237_5238delinsAT (p.Arg1746His)

Gene: CDH23 (cadherin related 23; plus strand). Cytogenetic location: 10q22.1.
Variant type: Indel.
Coding change: c.5237_5238delinsAT on transcript NM_022124.6 (MANE Select); coding-DNA positions 5237 to 5238, GG replaced by AT.
Protein change: p.Arg1746His; replaces arginine 1746 with histidine.
Molecular consequence: missense variant.
Genome position (GRCh38, 1-based): chr10:71,779,316-71,779,317, GG replaced by AT. VCF-style: chr10-71779316-GG-AT. GRCh37 (hg19) VCF-style: chr10-73539073-GG-AT.
Other names: short protein forms R1746H.
Identifiers: ClinVar variation 1705069 (VCV001705069.6), dbSNP rs2494344061, ClinGen allele CA2580082121.
Genomic context (GRCh38, chr10:71,779,316, plus strand): 5'-CACCATCTCAGGTGCTTGTGAATGTGAATGACATCAACGACAATGTGCCTACCTTCCCCC[GG>AT]GACTATGAGGGACCATTTGAAGTCACTGAGGGCCAGCCGGGGCCCAGAGTGTGGACCTTC-3'
Protein context (NP_071407.4, residues 1736-1756): DINDNVPTFP[Arg1746His]DYEGPFEVTE